The following is an entry in ClinVar:

NM_001162501.2(TNRC6B):c.4858C>T (p.Arg1620Ter)

Gene: TNRC6B (trinucleotide repeat containing adaptor 6B; plus strand). Cytogenetic location: 22q13.1.
Variant type: single nucleotide variant.
Coding change: c.4858C>T on transcript NM_001162501.2 (MANE Select); coding-DNA position 4858, C replaced by T.
Protein change: p.Arg1620Ter; replaces arginine 1620 with a stop codon.
Molecular consequence: nonsense.
Genome position (GRCh38, 1-based): chr22:40,315,462, C>T. VCF-style: chr22-40315462-C-T. GRCh37 (hg19) VCF-style: chr22-40711466-C-T.
Other names: c.2446C>T, p.Arg816Ter (NM_001024843.2); c.4528C>T, p.Arg1510Ter (NM_015088.3); c.4858C>T (NM_001162501.1); short protein forms R1510*, R1620*, R816*.
Identifiers: ClinVar variation 2442362 (VCV002442362.4), dbSNP rs2518046138, ClinGen allele CA411670708.

ClinVar aggregate classification (germline): Likely pathogenic. Review status: criteria provided, multiple submitters, no conflicts (2 of 4 stars). 4 submissions from 4 submitters: Likely pathogenic (4). Last evaluated 2025-08-23.

Conditions:
TNRC6B-related neurodevelopmental disorder.
TNRC6B-related disorder. Also called: TNRC6B-related condition.
Global developmental delay with speech and behavioral abnormalities. Identifiers: MedGen C5543226, MONDO:0030995, OMIM 619243.

Allele frequency attached by ClinVar (database versions not stated): gnomAD exomes below 0.00001.
gnomAD v4.1: 2 of 1,614,008 alleles (0.00012%); highest among the groups gnomAD compares: Non-Finnish European, 0.00017%; no homozygotes.

Submissions (4):

PreventionGenetics, part of Exact Sciences
Classification: Likely pathogenic for TNRC6B-related condition. Last evaluated: 2025-08-23. Review status: criteria provided, single submitter. Criteria: ACMG Guidelines, 2015. Collection method: clinical testing. Allele origin: germline.
Comment: The TNRC6B c.4858C>T variant is predicted to result in premature protein termination (p.Arg1620*). To our knowledge, this variant has not been previously reported in the literature in association with disease. This variant has not been reported in a large population database (gnomAD), indicating this variant is rare. Nonsense variants in TNRC6B are expected to be pathogenic. This variant is interpreted as likely pathogenic.

Rady Children's Institute for Genomic Medicine, Rady Children's Hospital San Diego
Classification: Likely pathogenic for TNRC6B-related neurodevelopmental disorder. Last evaluated: 2025-03-28. Review status: criteria provided, single submitter. Criteria: ACMG Guidelines, 2015. Collection method: clinical testing. Allele origin: germline. Affected: yes.
Comment: This nonsense variant found in exon 20 of 23 is predicted to result in loss of normal protein function through either protein truncation or nonsense-mediated mRNA decay. Loss-of-function is an established mechanism of disease in TNRC6B-related neurodevelopmental disorder (PMID: 32152250). This variant has not been previously reported or functionally characterized in the literature to our knowledge. The c.4858C>T (p.Arg1620Ter) variant is absent from the latest version of the gnomAD population database and thus is presumed to be rare. Based on the available evidence, c.4858C>T (p.Arg1620Ter) is classified as Likely Pathogenic.

Laboratoire de Génétique Moléculaire, CHU Bordeaux
Classification: Likely pathogenic for Global developmental delay with speech and behavioral abnormalities. Last evaluated: 2022-06-25. Review status: criteria provided, single submitter. Criteria: ACMG Guidelines, 2015. Collection method: clinical testing. Allele origin: germline. Affected: yes.

Juno Genomics, Hangzhou Juno Genomics, Inc
Classification: Likely pathogenic for Global developmental delay with speech and behavioral abnormalities. Review status: criteria provided, single submitter. Criteria: ACMG Guidelines, 2015. Collection method: clinical testing. Allele origin: germline.
Comment: Null variant in a gene where loss of function (LOF) is a known mechanism of disease.;Absent from controls (or at extremely low frequency if recessive) in Genome Aggregation Database.

Literature cited by the submitters: PubMed 32152250 (cited by Rady Children's Institute for Genomic Medicine, Rady Children's Hospital San Diego).